The following is an entry in ClinVar:

ClinVar aggregate classification (germline): Uncertain significance (1 of 4 stars; one submission).

Submission:

GeneDx
Classification: Uncertain significance. Last evaluated: 2024-09-25. Review status: criteria provided, single submitter. Criteria: GeneDx Variant Classification Process June 2021. Collection method: clinical testing. Allele origin: germline. Affected: yes.
Comment: Not observed at significant frequency in large population cohorts (gnomAD); In silico analysis supports that this missense variant has a deleterious effect on protein structure/function; Has not been previously published as pathogenic or benign to our knowledge

NM_002168.4(IDH2):c.394T>C (p.Trp132Arg)

Gene: IDH2 (isocitrate dehydrogenase (NADP(+)) 2; minus strand). Cytogenetic location: 15q26.1.
Variant type: single nucleotide variant.
Coding change: c.394T>C on transcript NM_002168.4 (MANE Select); coding-DNA position 394, T replaced by C.
Protein change: p.Trp132Arg; replaces tryptophan 132 with arginine.
Molecular consequence: missense variant.
Genome position (GRCh38, 1-based): chr15:90,088,727, A>G on the plus strand (T>C on the coding strand, the complement: IDH2 is on the minus strand). VCF-style: chr15-90088727-A-G. GRCh37 (hg19) VCF-style: chr15-90631959-A-G.
Other names: c.238T>C, p.Trp80Arg (NM_001289910.1); c.4T>C, p.Trp2Arg (NM_001290114.2); short protein forms W132R, W2R, W80R.
Identifiers: ClinVar variation 3774603 (VCV003774603.1).